The following is an entry in ClinVar:

NM_001257291.2(SLC9A7):c.843C>T (p.Tyr281=)

Gene: SLC9A7 (solute carrier family 9 member A7; minus strand). Cytogenetic location: Xp11.3.
Variant type: single nucleotide variant.
Coding change: c.843C>T on transcript NM_001257291.2 (MANE Select); coding-DNA position 843, C replaced by T.
Protein change: p.Tyr281=; no amino-acid change (tyrosine 281 retained).
Molecular consequence: synonymous variant.
Genome position (GRCh38, 1-based): chrX:46,662,594, G>A on the plus strand (C>T on the coding strand, the complement: SLC9A7 is on the minus strand). VCF-style: chrX-46662594-G-A. GRCh37 (hg19) VCF-style: chrX-46522029-G-A.
Other names: c.843C>T, p.Tyr281= (NM_032591.3).
Identifiers: ClinVar variation 1671818 (VCV001671818.22), dbSNP rs200527187, ClinGen allele CA10394011.

ClinVar aggregate classification (germline): Benign/Likely benign. Review status: criteria provided, multiple submitters, no conflicts (2 of 4 stars). 3 submissions from 3 submitters: Benign (2); Likely benign (1). Last evaluated 2024-11-01.

Allele frequency attached by ClinVar (database versions not stated): gnomAD 0.00008 and 0.00013; ESP Exome Variant Server 0.00009; gnomAD exomes 0.00009 and 0.00016; TOPMed 0.00012; ExAC 0.00019; 1000 Genomes Project 30x 0.00042; 1000 Genomes Project 0.00053.
gnomAD v4.1: 116 of 1,208,814 alleles (0.0096%); highest among the groups gnomAD compares: East Asian, 0.11%; no homozygotes.

Submissions (3):

CeGaT Center for Human Genetics Tuebingen
Classification: Likely benign. Last evaluated: 2024-11-01. Review status: criteria provided, single submitter. Criteria: CeGaT Center For Human Genetics Tuebingen Variant Classification Criteria Version 2. Collection method: clinical testing. Allele origin: germline. Affected: yes. Observed: 1 variant allele.
Comment: SLC9A7: BP4, BP7, BS2

Labcorp Genetics (formerly Invitae), Labcorp
Classification: Benign. Last evaluated: 2022-07-12. Review status: criteria provided, single submitter. Criteria: Invitae Variant Classification Sherloc (09022015). Collection method: clinical testing. Allele origin: germline.

Breakthrough Genomics
Classification: Benign. Review status: criteria provided, single submitter. Criteria: ACMG Guidelines, 2015. Collection method: not provided. Allele origin: germline. Inheritance: X-linked inheritance. Affected: yes.